The following is an entry in ClinVar:

NM_004612.4(TGFBR1):c.561A>G (p.Ser187=)

Gene: TGFBR1 (transforming growth factor beta receptor 1; plus strand). Cytogenetic location: 9q22.33.
Variant type: single nucleotide variant.
Coding change: c.561A>G on transcript NM_004612.4 (MANE Select); coding-DNA position 561, A replaced by G.
Protein change: p.Ser187=; no amino-acid change (serine 187 retained).
Molecular consequence: synonymous variant. On other transcripts: intron variant (1).
Genome position (GRCh38, 1-based): chr9:99,132,726, A>G. VCF-style: chr9-99132726-A-G. GRCh37 (hg19) VCF-style: chr9-101895008-A-G.
Other names: c.573A>G, p.Ser191= (NM_001306210.2); c.343+3626A>G (NM_001130916.3).
Identifiers: ClinVar variation 918992 (VCV000918992.11), dbSNP rs1315925147, ClinGen allele CA466648191.
Genomic context (GRCh38, chr9:99,132,726, plus strand): 5'-TCGCCCTTTTATTTCAGAGGGTACTACGTTGAAAGACTTAATTTATGATATGACAACGTC[A>G]GGTTCTGGCTCAGGTAACATAATTGTTTCTCCTTTTTCCTAAGACATCTTTTTAAAATTA-3'
Protein context (NP_004603.1, residues 177-197): LKDLIYDMTT[Ser187=]GSGSGLPLLV

ClinVar aggregate classification (germline): Likely benign. Review status: criteria provided, multiple submitters, no conflicts (2 of 4 stars). 3 submissions from 3 submitters: Likely benign (3). Last evaluated 2023-06-26.

Conditions:
Loeys-Dietz syndrome (LDS). Identifiers: Orphanet 60030, MedGen C2697932, MONDO:0018954.
Familial thoracic aortic aneurysm and aortic dissection (TAAD). Also called: Thoracic aortic aneurysms and dissections. Identifiers: Orphanet 91387, MedGen C4707243, MONDO:0019625.

Allele frequency attached by ClinVar (database versions not stated): gnomAD exomes 0.00001.
gnomAD v4.1: 3 of 1,614,182 alleles (0.00019%); highest among the groups gnomAD compares: Admixed American, 0.005%; no homozygotes.

Submissions (3):

All of Us Research Program, National Institutes of Health
Classification: Likely benign for Loeys-Dietz syndrome. Last evaluated: 2023-06-26. Review status: criteria provided, single submitter. Criteria: ACMG Guidelines, 2015. Collection method: clinical testing. Allele origin: germline. Inheritance: Autosomal dominant inheritance. Observed: 1 variant allele, 1 heterozygote.
Comment: This study involves interpretation of variants in research participants for the purpose of population health screening. Participant phenotype was not available at the time of variant classification. Additional details can be found in publication PMID: 35346344, PMCID: PMC8962531

Labcorp Genetics (formerly Invitae), Labcorp
Classification: Likely benign for Familial thoracic aortic aneurysm and aortic dissection. Last evaluated: 2022-02-10. Review status: criteria provided, single submitter. Criteria: Invitae Variant Classification Sherloc (09022015). Collection method: clinical testing. Allele origin: germline.

Color Diagnostics, LLC DBA Color Health
Classification: Likely benign for Familial thoracic aortic aneurysm and aortic dissection. Last evaluated: 2018-11-30. Review status: criteria provided, single submitter. Criteria: ACMG Guidelines, 2015. Collection method: clinical testing. Allele origin: germline.